The following is an entry in ClinVar:

ClinVar aggregate classification (germline): Uncertain significance. Review status: criteria provided, multiple submitters, no conflicts (2 of 4 stars). 2 submissions from 2 submitters: Uncertain significance (2). Last evaluated 2025-01-24.

Conditions:
Epilepsy, childhood absence, susceptibility to, 1. Also called: Epilepsy, childhood absence 1. Identifiers: Orphanet 64280, MedGen C1838604, MONDO:0020759, OMIM 600131.
Epilepsy, childhood absence, susceptibility to, 5. Identifiers: Orphanet 64280, MedGen C2677087, MONDO:0012843, OMIM 612269.

Submissions (2):

GeneDx
Classification: Uncertain significance. Last evaluated: 2025-01-24. Review status: criteria provided, single submitter. Criteria: GeneDx Variant Classification Process June 2021. Collection method: clinical testing. Allele origin: germline. Affected: yes.
Comment: Not observed at significant frequency in large population cohorts (gnomAD); In silico analysis supports that this missense variant has a deleterious effect on protein structure/function; Has not been previously published as pathogenic or benign to our knowledge

Labcorp Genetics (formerly Invitae), Labcorp
Classification: Uncertain significance for Epilepsy, childhood absence, susceptibility to, 5; Epilepsy, childhood absence, susceptibility to, 1. Last evaluated: 2023-04-06. Review status: criteria provided, single submitter. Criteria: Invitae Variant Classification Sherloc (09022015). Collection method: clinical testing. Allele origin: germline.
Comment: This sequence change replaces threonine, which is neutral and polar, with alanine, which is neutral and non-polar, at codon 176 of the GABRB3 protein (p.Thr176Ala). This variant is not present in population databases (gnomAD no frequency). This variant has not been reported in the literature in individuals affected with GABRB3-related conditions. Advanced modeling of protein sequence and biophysical properties (such as structural, functional, and spatial information, amino acid conservation, physicochemical variation, residue mobility, and thermodynamic stability) performed at Invitae indicates that this missense variant is expected to disrupt GABRB3 protein function. In summary, the available evidence is currently insufficient to determine the role of this variant in disease. Therefore, it has been classified as a Variant of Uncertain Significance.

NM_000814.6(GABRB3):c.526A>G (p.Thr176Ala)

Gene: GABRB3 (gamma-aminobutyric acid type A receptor subunit beta3; minus strand). Cytogenetic location: 15q12.
Variant type: single nucleotide variant.
Coding change: c.526A>G on transcript NM_000814.6 (MANE Select); coding-DNA position 526, A replaced by G.
Protein change: p.Thr176Ala; replaces threonine 176 with alanine.
Molecular consequence: missense variant.
Genome position (GRCh38, 1-based): chr15:26,583,350, T>C on the plus strand (A>G on the coding strand, the complement: GABRB3 is on the minus strand). VCF-style: chr15-26583350-T-C. GRCh37 (hg19) VCF-style: chr15-26828497-T-C.
Other names: c.526A>G (NM_000814.5); c.271A>G, p.Thr91Ala (NM_001191320.2, NM_001278631.2); c.313A>G, p.Thr105Ala (NM_001191321.3); c.526A>G, p.Thr176Ala (NM_021912.5); short protein forms T105A, T176A, T91A.
Identifiers: ClinVar variation 2945455 (VCV002945455.4), dbSNP rs2504213287, ClinGen allele CA391458003.